The following is an entry in ClinVar:

ClinVar aggregate classification (germline): Uncertain significance. Review status: criteria provided, multiple submitters, no conflicts (2 of 4 stars). 3 submissions from 3 submitters: Uncertain significance (3). Last evaluated 2025-07-21.

Conditions:
Blepharophimosis - intellectual disability syndrome, SBBYS type (SBBYSS). Also called: Say-Barber-Biesecker-Young-Simpson variant of Ohdo Syndrome; Say-Barber-Biesecker Variant of Ohdo Syndrome; Say-Barber-Biesecker variant of Ohdo syndrome (SBBYSS); Ohdo syndrome, SBBYS variant; SBBYSS syndrome; Say-Barber-Biesecker-Young-Simpson syndrome. Identifiers: Orphanet 3047, MedGen C1863557, MONDO:0011365, OMIM 603736.
Genitopatellar syndrome (GTPTS). Also called: Genitopatellar syndrome (GPS); ABSENT PATELLAE, SCROTAL HYPOPLASIA, RENAL ANOMALIES, FACIAL DYSMORPHISM, AND MENTAL RETARDATION. Identifiers: Orphanet 85201, MedGen C1853566, MONDO:0011640, OMIM 606170.

Allele frequency attached by ClinVar (database versions not stated): gnomAD exomes below 0.00001; TOPMed below 0.00001.
gnomAD v4.1: 3 of 1,614,196 alleles (0.00019%); highest among the groups gnomAD compares: Non-Finnish European, 0.00025%; no homozygotes.

Submissions (3):

Women's Health and Genetics/Laboratory Corporation of America, LabCorp
Classification: Uncertain significance. Last evaluated: 2025-07-21. Review status: criteria provided, single submitter. Criteria: LabCorp Variant Classification Summary - May 2015. Collection method: clinical testing. Allele origin: germline.
Comment: Variant summary: KAT6B c.310A>T (p.Asn104Tyr) results in a non-conservative amino acid change in the encoded protein sequence. Algorithms developed to predict the effect of missense changes on protein structure and function are either unavailable or do not agree on the potential impact of this missense change. The variant was absent in 251456 control chromosomes. The available data on variant occurrences in the general population are insufficient to allow any conclusion about variant significance. To our knowledge, no occurrence of c.310A>T in individuals affected with KAT6B-Related Spectrum Disorders and no experimental evidence demonstrating its impact on protein function have been reported. ClinVar contains an entry for this variant (Variation ID: 1444688). Based on the evidence outlined above, the variant was classified as uncertain significance.

Labcorp Genetics (formerly Invitae), Labcorp
Classification: Uncertain significance for Genitopatellar syndrome. Last evaluated: 2024-11-11. Review status: criteria provided, single submitter. Criteria: Invitae Variant Classification Sherloc (09022015). Collection method: clinical testing. Allele origin: germline.
Comment: This sequence change replaces asparagine, which is neutral and polar, with tyrosine, which is neutral and polar, at codon 104 of the KAT6B protein (p.Asn104Tyr). This variant is not present in population databases (gnomAD no frequency). This variant has not been reported in the literature in individuals affected with KAT6B-related conditions. ClinVar contains an entry for this variant (Variation ID: 1444688). Invitae Evidence Modeling of protein sequence and biophysical properties (such as structural, functional, and spatial information, amino acid conservation, physicochemical variation, residue mobility, and thermodynamic stability) indicates that this missense variant is not expected to disrupt KAT6B protein function with a negative predictive value of 80%. In summary, the available evidence is currently insufficient to determine the role of this variant in disease. Therefore, it has been classified as a Variant of Uncertain Significance.

Fulgent Genetics
Classification: Uncertain significance for Blepharophimosis - intellectual disability syndrome, SBBYS type; Genitopatellar syndrome. Last evaluated: 2024-04-15. Review status: criteria provided, single submitter. Criteria: ACMG Guidelines, 2015. Collection method: clinical testing. Allele origin: germline.

NM_012330.4(KAT6B):c.310A>T (p.Asn104Tyr)

Gene: KAT6B (lysine acetyltransferase 6B; plus strand). Cytogenetic location: 10q22.2.
Variant type: single nucleotide variant.
Coding change: c.310A>T on transcript NM_012330.4 (MANE Select); coding-DNA position 310, A replaced by T.
Protein change: p.Asn104Tyr; replaces asparagine 104 with tyrosine.
Molecular consequence: missense variant. On other transcripts: 5 prime UTR variant (2).
Genome position (GRCh38, 1-based): chr10:74,843,167, A>T. VCF-style: chr10-74843167-A-T. GRCh37 (hg19) VCF-style: chr10-76602925-A-T.
Other names: c.310A>T, p.Asn104Tyr (NM_001256468.2, NM_001256469.2, NM_001370132.1 and 10 more transcripts); c.-229A>T (NM_001370134.1, NM_001370135.1); short protein forms N104Y.
Identifiers: ClinVar variation 1444688 (VCV001444688.10), dbSNP rs1841861253, ClinGen allele CA377399754.